The following is an entry in ClinVar:

NM_001024630.4(RUNX2):c.686-2A>G

Gene: RUNX2 (RUNX family transcription factor 2; plus strand). Cytogenetic location: 6p21.1.
Variant type: single nucleotide variant.
Coding change: c.686-2A>G on transcript NM_001024630.4 (MANE Select); the canonical splice acceptor site of the intron before coding-DNA position 686, A replaced by G.
Molecular consequence: splice acceptor variant.
Genome position (GRCh38, 1-based): chr6:45,491,939, A>G. VCF-style: chr6-45491939-A-G. GRCh37 (hg19) VCF-style: chr6-45459676-A-G.
Other names: c.686-2A>G (NM_001015051.4); c.644-2A>G (NM_001369405.1, NM_001278478.2).
Identifiers: ClinVar variation 3728288 (VCV003728288.2).

ClinVar aggregate classification (germline): Likely pathogenic (1 of 4 stars; one submission).

Submission:

Labcorp Genetics (formerly Invitae), Labcorp
Classification: Likely pathogenic. Last evaluated: 2024-12-30. Review status: criteria provided, single submitter. Criteria: Invitae Variant Classification Sherloc (09022015). Collection method: clinical testing. Allele origin: germline.
Comment: This sequence change affects an acceptor splice site in intron 5 of the RUNX2 gene. It is expected to disrupt RNA splicing. Variants that disrupt the donor or acceptor splice site typically lead to a loss of protein function (PMID: 16199547), and loss-of-function variants in RUNX2 are known to be pathogenic (PMID: 10521292, 11857736). This variant is not present in population databases (gnomAD no frequency). This variant has not been reported in the literature in individuals affected with RUNX2-related conditions. Algorithms developed to predict the effect of sequence changes on RNA splicing suggest that this variant may disrupt the consensus splice site. In summary, the currently available evidence indicates that the variant is pathogenic, but additional data are needed to prove that conclusively. Therefore, this variant has been classified as Likely Pathogenic.

Literature cited by the submitters: PubMed 16199547; PubMed 10521292; PubMed 11857736.